The following is an entry in ClinVar:

ClinVar aggregate classification (germline): Uncertain significance (1 of 4 stars; one submission).

Allele frequency attached by ClinVar (database versions not stated): gnomAD exomes below 0.00001; ExAC 0.00001; TOPMed 0.00001.
gnomAD v4.1: 2 of 1,539,088 alleles (0.00013%); highest among the groups gnomAD compares: Admixed American, 0.0033%; no homozygotes.

Submission:

Labcorp Genetics (formerly Invitae), Labcorp
Classification: Uncertain significance. Last evaluated: 2023-08-30. Review status: criteria provided, single submitter. Criteria: Invitae Variant Classification Sherloc (09022015). Collection method: clinical testing. Allele origin: germline.
Comment: This variant has not been reported in the literature in individuals affected with ARSG-related conditions. An algorithm developed to predict the effect of missense changes on protein structure and function (PolyPhen-2) suggests that this variant is likely to be disruptive. Algorithms developed to predict the effect of sequence changes on RNA splicing suggest that this variant may disrupt the consensus splice site. In summary, the available evidence is currently insufficient to determine the role of this variant in disease. Therefore, it has been classified as a Variant of Uncertain Significance. This variant is present in population databases (rs782542140, gnomAD 0.006%). This sequence change replaces arginine, which is basic and polar, with glycine, which is neutral and non-polar, at codon 73 of the ARSG protein (p.Arg73Gly).

NM_001267727.2(ARSG):c.217A>G (p.Arg73Gly)

Gene: ARSG (arylsulfatase G; plus strand). Cytogenetic location: 17q24.2.
Variant type: single nucleotide variant.
Coding change: c.217A>G on transcript NM_001267727.2 (MANE Select); coding-DNA position 217, A replaced by G.
Protein change: p.Arg73Gly; replaces arginine 73 with glycine.
Molecular consequence: missense variant.
Genome position (GRCh38, 1-based): chr17:68,307,710, A>G. VCF-style: chr17-68307710-A-G. GRCh37 (hg19) VCF-style: chr17-66303851-A-G.
Other names: c.217A>G, p.Arg73Gly (NM_001352899.2, NM_001352900.2, NM_001352901.2 and 9 more transcripts); short protein forms R73G.
Identifiers: ClinVar variation 2968166 (VCV002968166.1), dbSNP rs782542140, ClinGen allele CA8728123.